The following is an entry in ClinVar:

NM_006565.4(CTCF):c.1342C>T (p.Arg448Ter)

Gene: CTCF (CCCTC-binding factor; plus strand). Cytogenetic location: 16q22.1.
Variant type: single nucleotide variant.
Coding change: c.1342C>T on transcript NM_006565.4 (MANE Select); coding-DNA position 1342, C replaced by T.
Protein change: p.Arg448Ter; replaces arginine 448 with a stop codon.
Molecular consequence: nonsense.
Genome position (GRCh38, 1-based): chr16:67,621,576, C>T. VCF-style: chr16-67621576-C-T. GRCh37 (hg19) VCF-style: chr16-67655479-C-T.
Other names: c.358C>T, p.Arg120Ter (NM_001191022.2); c.1342C>T, p.Arg448Ter (NM_001363916.2); short protein forms R120*, R448*.
Identifiers: ClinVar variation 3340500 (VCV003340500.1).

ClinVar aggregate classification (germline): Likely pathogenic (1 of 4 stars; one submission).

Conditions:
CTCF-related neurodevelopmental disorder. Also called: Intellectual disability-feeding difficulties-developmental delay-microcephaly syndrome; INTELLECTUAL DEVELOPMENTAL DISORDER, AUTOSOMAL DOMINANT 21. Identifiers: Orphanet 363611, MedGen C3809686, MONDO:0014213, OMIM 615502.

Submission:

Diagnostics Services (NGS), CSIR - Centre For Cellular And Molecular Biology
Classification: Likely pathogenic for CTCF-related neurodevelopmental disorder. Last evaluated: 2024-08-14. Review status: criteria provided, single submitter. Criteria: ACMG Guidelines, 2015. Collection method: clinical testing. Allele origin: unknown. Affected: yes. Observed: 1 variant allele, 1 heterozygote.
Comment: The c.1342C>T variant is not present in publicly available population databases like 1000 Genomes, EVS, Indian Exome Database or our in-house exome database. This variant is present in ExAC and gnomAD at low frequencies. This variant has been previously reported in an individual with nodular medulloblastoma [PMID: 30419952]. In-silico pathogenicity prediction programs like MutationTaster2021, CADD, Franklin, Varsome etc predicted this variant to be likely deleterious. This variant creates a premature translational stop signal at the 448th amino acid position of the wild-type transcript that may either result in translation of a truncated protein or cause nonsense mediated decay of the mRNA. This variant is located in a mutational hotspot region of the gene and a missense variant in the same position (Arg448Gln) has been previously reported in patients affected with neurodevelopmental disorders [PMID: 31239556, 33004838].